The following is an entry in ClinVar:

ClinVar aggregate classification (germline): Uncertain significance (1 of 4 stars; one submission).

Submission:

Labcorp Genetics (formerly Invitae), Labcorp
Classification: Uncertain significance. Last evaluated: 2022-10-13. Review status: criteria provided, single submitter. Criteria: Invitae Variant Classification Sherloc (09022015). Collection method: clinical testing. Allele origin: germline.
Comment: This variant is a gross deletion of the genomic region encompassing exon(s) 14 of the PLK4 gene. This variant would be expected to be in-frame, preserving the integrity of the reading frame. This variant has not been reported in the literature in individuals affected with PLK4-related conditions. Experimental studies and prediction algorithms are not available or were not evaluated, and the functional significance of this variant is currently unknown. In summary, the available evidence is currently insufficient to determine the role of this variant in disease. Therefore, it has been classified as a Variant of Uncertain Significance.

NC_000004.11:g.(?_128816088)_(128816268_?)del

Gene: PLK4 (polo like kinase 4; plus strand). Cytogenetic location: 4q28.2.
Variant type: Deletion.
Identifiers: ClinVar variation 1442035 (VCV001442035.6).